The following is an entry in ClinVar:

ClinVar aggregate classification (germline): Uncertain significance. Review status: criteria provided, multiple submitters, no conflicts (2 of 4 stars). 3 submissions from 3 submitters: Uncertain significance (3). Last evaluated 2023-08-17.

Conditions:
Diffuse cerebral and cerebellar atrophy - intractable seizures - progressive microcephaly syndrome. Also called: Microcephaly, progressive, with seizures and cerebral and cerebellar atrophy. Identifiers: Orphanet 404437, MedGen C4014239, MONDO:0014335, OMIM 615760.

Submissions (3):

GeneDx
Classification: Uncertain significance. Last evaluated: 2023-08-17. Review status: criteria provided, single submitter. Criteria: GeneDx Variant Classification Process June 2021. Collection method: clinical testing. Allele origin: germline. Affected: yes.
Comment: Not observed at significant frequency in large population cohorts (gnomAD); In silico analysis supports that this missense variant has a deleterious effect on protein structure/function; Has not been previously published as pathogenic or benign to our knowledge; This variant is associated with the following publications: (PMID: 25471517)

Labcorp Genetics (formerly Invitae), Labcorp
Classification: Uncertain significance for Diffuse cerebral and cerebellar atrophy - intractable seizures - progressive microcephaly syndrome. Last evaluated: 2022-04-10. Review status: criteria provided, single submitter. Criteria: Invitae Variant Classification Sherloc (09022015). Collection method: clinical testing. Allele origin: germline.
Comment: This sequence change replaces leucine, which is neutral and non-polar, with glutamine, which is neutral and polar, at codon 553 of the QARS protein (p.Leu553Gln). This variant is not present in population databases (gnomAD no frequency). This missense change has been observed in individual(s) with clinical features of QARS-related conditions (Invitae). ClinVar contains an entry for this variant (Variation ID: 571673). Algorithms developed to predict the effect of missense changes on protein structure and function (SIFT, PolyPhen-2, Align-GVGD) all suggest that this variant is likely to be disruptive. In summary, the available evidence is currently insufficient to determine the role of this variant in disease. Therefore, it has been classified as a Variant of Uncertain Significance.

Athena Diagnostics
Classification: Uncertain significance. Last evaluated: 2017-09-30. Review status: criteria provided, single submitter. Criteria: Athena Diagnostics Criteria. Collection method: clinical testing. Allele origin: germline.

NM_005051.3(QARS1):c.1658T>A (p.Leu553Gln)

Gene: QARS1 (glutaminyl-tRNA synthetase 1; minus strand). Cytogenetic location: 3p21.31.
Variant type: single nucleotide variant.
Coding change: c.1658T>A on transcript NM_005051.3 (MANE Select); coding-DNA position 1658, T replaced by A.
Protein change: p.Leu553Gln; replaces leucine 553 with glutamine.
Molecular consequence: missense variant. On other transcripts: non-coding transcript variant (1).
Genome position (GRCh38, 1-based): chr3:49,099,210, A>T on the plus strand (T>A on the coding strand, the complement: QARS1 is on the minus strand). VCF-style: chr3-49099210-A-T. GRCh37 (hg19) VCF-style: chr3-49136643-A-T.
Other names: c.1625T>A, p.Leu542Gln (NM_001272073.2); short protein forms L553Q, L542Q.
Identifiers: ClinVar variation 571673 (VCV000571673.6), dbSNP rs1559966841, ClinGen allele CA352704043.